The following is an entry in ClinVar:

ClinVar aggregate classification (germline): Uncertain significance (1 of 4 stars; one submission).

Allele frequency attached by ClinVar (database versions not stated): ExAC 0.00001; gnomAD 0.00002; TOPMed 0.00002; gnomAD exomes 0.00003.
gnomAD v4.1: 42 of 1,613,988 alleles (0.0026%); highest among the groups gnomAD compares: South Asian, 0.0033%; no homozygotes.

Submission:

Labcorp Genetics (formerly Invitae), Labcorp
Classification: Uncertain significance. Last evaluated: 2023-11-07. Review status: criteria provided, single submitter. Criteria: Invitae Variant Classification Sherloc (09022015). Collection method: clinical testing. Allele origin: germline.
Comment: This sequence change replaces arginine, which is basic and polar, with tryptophan, which is neutral and slightly polar, at codon 308 of the CYC1 protein (p.Arg308Trp). This variant is present in population databases (rs755860942, gnomAD 0.003%). This variant has not been reported in the literature in individuals affected with CYC1-related conditions. ClinVar contains an entry for this variant (Variation ID: 1932678). Advanced modeling of protein sequence and biophysical properties (such as structural, functional, and spatial information, amino acid conservation, physicochemical variation, residue mobility, and thermodynamic stability) performed at Invitae indicates that this missense variant is expected to disrupt CYC1 protein function with a positive predictive value of 80%. In summary, the available evidence is currently insufficient to determine the role of this variant in disease. Therefore, it has been classified as a Variant of Uncertain Significance.

NM_001916.5(CYC1):c.922C>T (p.Arg308Trp)

Gene: CYC1 (cytochrome c1; plus strand). Cytogenetic location: 8q24.3.
Variant type: single nucleotide variant.
Coding change: c.922C>T on transcript NM_001916.5 (MANE Select); coding-DNA position 922, C replaced by T.
Protein change: p.Arg308Trp; replaces arginine 308 with tryptophan.
Molecular consequence: missense variant.
Genome position (GRCh38, 1-based): chr8:144,097,280, C>T. VCF-style: chr8-144097280-C-T. GRCh37 (hg19) VCF-style: chr8-145152183-C-T.
Other names: short protein forms R308W.
Identifiers: ClinVar variation 1932678 (VCV001932678.5), dbSNP rs755860942, ClinGen allele CA4933599.